The following is an entry in ClinVar:

NM_024678.6(NARS2):c.1165G>A (p.Val389Ile)

Gene: NARS2 (asparaginyl-tRNA synthetase 2, mitochondrial; minus strand). Cytogenetic location: 11q14.1.
Variant type: single nucleotide variant.
Coding change: c.1165G>A on transcript NM_024678.6 (MANE Select); coding-DNA position 1165, G replaced by A.
Protein change: p.Val389Ile; replaces valine 389 with isoleucine.
Molecular consequence: missense variant. On other transcripts: non-coding transcript variant (4).
Genome position (GRCh38, 1-based): chr11:78,443,758, C>T on the plus strand (G>A on the coding strand, the complement: NARS2 is on the minus strand). VCF-style: chr11-78443758-C-T. GRCh37 (hg19) VCF-style: chr11-78154804-C-T.
Other names: c.484G>A, p.Val162Ile (NM_001243251.2, NM_001425312.1, NM_001425313.1 and 1 more transcripts); c.1288G>A, p.Val430Ile (NM_001425299.1); c.1165G>A, p.Val389Ile (NM_001425300.1, NM_001425305.1); c.1093G>A, p.Val365Ile (NM_001425301.1); c.1084G>A, p.Val362Ile (NM_001425302.1, NM_001425303.1); c.1027G>A, p.Val343Ile (NM_001425304.1); c.955G>A, p.Val319Ile (NM_001425306.1); c.937G>A, p.Val313Ile (NM_001425307.1); and 4 more; short protein forms V162I, V172I, V362I, V430I, V312I, V313I, V365I, V389I.
Identifiers: ClinVar variation 3659465 (VCV003659465.2).
Genomic context (GRCh38, chr11:78,443,758, plus strand): 5'-CTCTGAGGCCTCCTCCAAAGAGTTCCCCAACTCCAGGAACCAGAAGATCAACAGCAGCAA[C>T]CTAAGGAAAAAAAAAAAATTATTAGCATTATATTTTCAGGTGATTCCAACAGTCAGTTTC-3'
Protein context (NP_078954.4, residues 379-399): RDNEDGPQHT[Val389Ile]AAVDLLVPGV

ClinVar aggregate classification (germline): Uncertain significance (1 of 4 stars; one submission).

Submission:

Labcorp Genetics (formerly Invitae), Labcorp
Classification: Uncertain significance. Last evaluated: 2024-07-14. Review status: criteria provided, single submitter. Criteria: Invitae Variant Classification Sherloc (09022015). Collection method: clinical testing. Allele origin: germline.
Comment: This sequence change replaces valine, which is neutral and non-polar, with isoleucine, which is neutral and non-polar, at codon 389 of the NARS2 protein (p.Val389Ile). This variant is not present in population databases (gnomAD no frequency). This variant has not been reported in the literature in individuals affected with NARS2-related conditions. An algorithm developed to predict the effect of missense changes on protein structure and function (PolyPhen-2) suggests that this variant is likely to be disruptive. In summary, the available evidence is currently insufficient to determine the role of this variant in disease. Therefore, it has been classified as a Variant of Uncertain Significance.